The following is an entry in ClinVar:

ClinVar aggregate classification (germline): Uncertain significance. Review status: criteria provided, multiple submitters, no conflicts (2 of 4 stars). 2 submissions from 2 submitters: Uncertain significance (2). Last evaluated 2022-07-18.

Allele frequency attached by ClinVar (database versions not stated): gnomAD exomes below 0.00001.

Submissions (2):

Labcorp Genetics (formerly Invitae), Labcorp
Classification: Uncertain significance. Last evaluated: 2022-07-18. Review status: criteria provided, single submitter. Criteria: Invitae Variant Classification Sherloc (09022015). Collection method: clinical testing. Allele origin: germline.
Comment: In summary, the available evidence is currently insufficient to determine the role of this variant in disease. Therefore, it has been classified as a Variant of Uncertain Significance. Algorithms developed to predict the effect of missense changes on protein structure and function (SIFT, PolyPhen-2, Align-GVGD) all suggest that this variant is likely to be tolerated. ClinVar contains an entry for this variant (Variation ID: 964138). This variant has not been reported in the literature in individuals affected with VCAN-related conditions. This variant is present in population databases (no rsID available, gnomAD 0.006%). This sequence change replaces valine, which is neutral and non-polar, with phenylalanine, which is neutral and non-polar, at codon 539 of the VCAN protein (p.Val539Phe).

Blueprint Genetics
Classification: Uncertain significance. Last evaluated: 2021-12-14. Review status: criteria provided, single submitter. Criteria: ACMG Guidelines, 2015. Collection method: clinical testing. Allele origin: germline.

NM_004385.5(VCAN):c.1615G>T (p.Val539Phe)

Gene: VCAN (versican; plus strand). Cytogenetic location: 5q14.3.
Variant type: single nucleotide variant.
Coding change: c.1615G>T on transcript NM_004385.5 (MANE Select); coding-DNA position 1615, G replaced by T.
Protein change: p.Val539Phe; replaces valine 539 with phenylalanine.
Molecular consequence: missense variant. On other transcripts: intron variant (2).
Genome position (GRCh38, 1-based): chr5:83,519,921, G>T. VCF-style: chr5-83519921-G-T. GRCh37 (hg19) VCF-style: chr5-82815740-G-T.
Other names: c.1615G>T, p.Val539Phe (NM_001164098.2); c.1042+7525G>T (NM_001164097.2, NM_001126336.3); short protein forms V539F.
Identifiers: ClinVar variation 964138 (VCV000964138.11), dbSNP rs1356197956, ClinGen allele CA360301252.